The following is an entry in ClinVar:

ClinVar aggregate classification (germline): Pathogenic (1 of 4 stars; one submission).

Conditions:
Salla disease (SD). Also called: Less Severe FSASD (Salla Disease); Sialuria, Finnish type; N-acetylneuraminic acid (NANA) storage disease (NSD); Infantile sialic acid storage disorder (ISSD). Identifiers: Orphanet 309334, Orphanet 834, MedGen C1096903, MONDO:0011449, OMIM 604369.

Submission:

Labcorp Genetics (formerly Invitae), Labcorp
Classification: Pathogenic for Salla disease. Last evaluated: 2023-06-21. Review status: criteria provided, single submitter. Criteria: Invitae Variant Classification Sherloc (09022015). Collection method: clinical testing. Allele origin: germline.
Comment: For these reasons, this variant has been classified as Pathogenic. This variant has not been reported in the literature in individuals affected with SLC17A5-related conditions. This variant is not present in population databases (gnomAD no frequency). This sequence change creates a premature translational stop signal (p.Leu340Phefs*11) in the SLC17A5 gene. It is expected to result in an absent or disrupted protein product. Loss-of-function variants in SLC17A5 are known to be pathogenic (PMID: 10581036, 10947946, 15172001).

Literature cited by the submitters: PubMed 10581036; PubMed 10947946; PubMed 15172001.

NM_012434.5(SLC17A5):c.1019dup (p.Leu340fs)

Gene: SLC17A5 (solute carrier family 17 member 5; minus strand). Cytogenetic location: 6q13.
Variant type: Duplication.
Coding change: c.1019dup on transcript NM_012434.5 (MANE Select); coding-DNA position 1019, one base duplicated (T; older notation c.1019dupT).
Protein change: p.Leu340fs; shifts the reading frame from leucine 340.
Molecular consequence: frameshift variant.
Genome position (GRCh38, 1-based): chr6:73,615,407, A duplicated on the plus strand (T on the coding strand, the reverse complement: SLC17A5 is on the minus strand); the first of 2 consecutive A bases (chr6:73,615,407-73,615,408); duplicating either gives the same sequence. VCF-style (leftmost placement, unchanged base first): chr6-73615406-T-TA. GRCh37 (hg19) VCF-style: chr6-74325129-T-TA.
Other names: c.788dup, p.Leu263fs (NM_001382629.1); c.1019dup, p.Leu340fs (NM_001382630.1, NM_001382633.1); c.1040dup, p.Leu347fs (NM_001382631.1); c.932dup, p.Leu311fs (NM_001382632.1); c.860dup, p.Leu287fs (NM_001382634.1); c.1016dup, p.Leu339fs (NM_001382635.1); c.701dup, p.Leu234fs (NM_001382636.1); short protein forms L234fs, L263fs, L287fs, L311fs, L340fs, L339fs, L347fs.
Identifiers: ClinVar variation 2720497 (VCV002720497.3), dbSNP rs2533429537, ClinGen allele CA2697553542.